The following is an entry in ClinVar:

ClinVar aggregate classification (germline): Uncertain significance (1 of 4 stars; one submission).

Conditions:
Hereditary cancer-predisposing syndrome. Also called: Tumor predisposition; Hereditary Cancer Syndrome; Hereditary neoplastic syndrome; Neoplastic Syndromes, Hereditary. Identifiers: Orphanet 140162, MedGen C0027672, MeSH D009386, MONDO:0015356.

Allele frequency attached by ClinVar (database versions not stated): gnomAD 0.00001.

Submission:

Ambry Genetics
Classification: Uncertain significance for Hereditary cancer-predisposing syndrome. Last evaluated: 2023-06-26. Review status: criteria provided, single submitter. Criteria: Ambry Variant Classification Scheme 2023. Collection method: clinical testing. Allele origin: germline.
Comment: The p.T330N variant (also known as c.989C>A), located in coding exon 5 of the SMARCA4 gene, results from a C to A substitution at nucleotide position 989. The threonine at codon 330 is replaced by asparagine, an amino acid with similar properties. This amino acid position is well conserved in available vertebrate species. In addition, the in silico prediction for this alteration is inconclusive. Missense and in-frame variants in SMARCA4 are known to cause neurodevelopmental disorders; however, such associations with rhabdoid tumor predisposition syndrome including small cell carcinoma of the ovary-hypercalcemic type (SCCOHT) are exceedingly rare (Kosho T et al. Am J Med Genet C Semin Med Genet. 2014 Sep;166C(3):262-75; Jelinic P et al. Nat Genet. 2014 May;46(5):424-6). Based on the supporting evidence, the association of this alteration with Coffin-Siris syndrome is unknown; however, the association of this alteration with rhabdoid tumor predisposition syndrome is unlikely.

NM_003072.5(SMARCA4):c.989C>A (p.Thr330Asn)

Gene: SMARCA4 (SWI/SNF related BAF chromatin remodeling complex subunit ATPase 4; plus strand). Cytogenetic location: 19p13.2.
Variant type: single nucleotide variant.
Coding change: c.989C>A on transcript NM_003072.5 (MANE Select); coding-DNA position 989, C replaced by A.
Protein change: p.Thr330Asn; replaces threonine 330 with asparagine.
Molecular consequence: missense variant. On other transcripts: non-coding transcript variant (1).
Genome position (GRCh38, 1-based): chr19:10,987,795, C>A. VCF-style: chr19-10987795-C-A. GRCh37 (hg19) VCF-style: chr19-11098471-C-A.
Other names: c.989C>A, p.Thr330Asn (NM_001128844.3, NM_001128845.2, NM_001128846.2 and 6 more transcripts); short protein forms T330N.
Identifiers: ClinVar variation 2587109 (VCV002587109.2), dbSNP rs1555755082, ClinGen allele CA404058587.